The following is an entry in ClinVar:

NM_007254.4(PNKP):c.1258G>T (p.Ala420Ser)

Gene: PNKP (polynucleotide kinase 3'-phosphatase; minus strand). Cytogenetic location: 19q13.33.
Variant type: single nucleotide variant.
Coding change: c.1258G>T on transcript NM_007254.4 (MANE Select); coding-DNA position 1258, G replaced by T.
Protein change: p.Ala420Ser; replaces alanine 420 with serine.
Molecular consequence: missense variant.
Genome position (GRCh38, 1-based): chr19:49,861,812, C>A on the plus strand (G>T on the coding strand, the complement: PNKP is on the minus strand). VCF-style: chr19-49861812-C-A. GRCh37 (hg19) VCF-style: chr19-50365069-C-A.
Other names: p.A420S:GCC>TCC; short protein forms A420S.
Identifiers: ClinVar variation 206409 (VCV000206409.10), dbSNP rs754981151, ClinGen allele CA316495.
Genomic context (GRCh38, chr19:49,861,812, plus strand): 5'-CGGCCCCGCGGTCACGCTACCTGGCGCGGCTCGCGGCGTCTGGGTTTGTGTTGTCGATGG[C>A]GACCCGTTTCCCTTGCTTCAGGGCTGTCTCACACGTGGTCACACAGCGCTGCCAGGAGCC-3'
Protein context (NP_009185.2, residues 410-430): ETALKQGKRV[Ala420Ser]IDNTNPDAAS

ClinVar aggregate classification (germline): Uncertain significance. Review status: criteria provided, multiple submitters, no conflicts (2 of 4 stars). 2 submissions from 2 submitters: Uncertain significance (2). Last evaluated 2022-03-15.

Conditions:
Developmental and epileptic encephalopathy, 12 (DEE12). Identifiers: MedGen C3150988, MONDO:0013389, OMIM 613722.

Allele frequency attached by ClinVar (database versions not stated): gnomAD 0.00001; TOPMed 0.00001; gnomAD exomes 0.00002; ExAC 0.00009.
gnomAD v4.1: 18 of 1,581,774 alleles (0.0011%); highest among the groups gnomAD compares: South Asian, 0.019%; no homozygotes.

Submissions (2):

Labcorp Genetics (formerly Invitae), Labcorp
Classification: Uncertain significance for Developmental and epileptic encephalopathy, 12. Last evaluated: 2022-03-15. Review status: criteria provided, single submitter. Criteria: Invitae Variant Classification Sherloc (09022015). Collection method: clinical testing. Allele origin: germline.
Comment: This sequence change replaces alanine, which is neutral and non-polar, with serine, which is neutral and polar, at codon 420 of the PNKP protein (p.Ala420Ser). The frequency data for this variant in the population databases is considered unreliable, as metrics indicate poor data quality at this position in the gnomAD database. This variant has not been reported in the literature in individuals affected with PNKP-related conditions. ClinVar contains an entry for this variant (Variation ID: 206409). Algorithms developed to predict the effect of missense changes on protein structure and function are either unavailable or do not agree on the potential impact of this missense change (SIFT: "Tolerated"; PolyPhen-2: "Possibly Damaging"; Align-GVGD: "Class C0"). In summary, the available evidence is currently insufficient to determine the role of this variant in disease. Therefore, it has been classified as a Variant of Uncertain Significance.

GeneDx
Classification: Uncertain significance. Last evaluated: 2022-01-17. Review status: criteria provided, single submitter. Criteria: GeneDx Variant Classification Process June 2021. Collection method: clinical testing. Allele origin: germline. Affected: yes.
Comment: In silico analysis supports that this missense variant does not alter protein structure/function; Has not been previously published as pathogenic or benign to our knowledge; This variant is associated with the following publications: (PMID: 22508754)